The following is an entry in ClinVar:

NM_198578.4(LRRK2):c.4289C>T (p.Ala1430Val)

Gene: LRRK2 (leucine rich repeat kinase 2; plus strand). Cytogenetic location: 12q12.
Variant type: single nucleotide variant.
Coding change: c.4289C>T on transcript NM_198578.4 (MANE Select); coding-DNA position 4289, C replaced by T.
Protein change: p.Ala1430Val; replaces alanine 1430 with valine.
Molecular consequence: missense variant.
Genome position (GRCh38, 1-based): chr12:40,309,205, C>T. VCF-style: chr12-40309205-C-T. GRCh37 (hg19) VCF-style: chr12-40703007-C-T.
Other names: short protein forms A1430V.
Identifiers: ClinVar variation 1708643 (VCV001708643.10), dbSNP rs1237835125, ClinGen allele CA384418181.
Genomic context (GRCh38, chr12:40,309,205, plus strand): 5'-CGCAGCGAGCATTGTACCTTGCTGTCTATGACCTCAGCAAGGGACAGGCTGAAGTTGATG[C>T]CATGAAGCCTTGGCTCTTCAATATAAAGGTGATTTGTTCTGATCATTTGAAAATAGAAAA-3'
Protein context (NP_940980.4, residues 1420-1440): DLSKGQAEVD[Ala1430Val]MKPWLFNIKA

ClinVar aggregate classification (germline): Uncertain significance. Review status: criteria provided, multiple submitters, no conflicts (2 of 4 stars). 3 submissions from 3 submitters: Uncertain significance (3). Last evaluated 2026-10-01.

Conditions:
Autosomal dominant Parkinson disease 8. Also called: LRRK2-Related Parkinson Disease; Parkinson disease 8; Parkinson disease 8, susceptibility to. Identifiers: Orphanet 411602, MedGen C1846862, MONDO:0011764, OMIM 607060.
Inborn genetic diseases. Identifiers: MedGen C0950123, MeSH D030342.

Allele frequency attached by ClinVar (database versions not stated): gnomAD exomes below 0.00001; TOPMed 0.00001; gnomAD 0.00001.
gnomAD v4.1: 2 of 1,613,598 alleles (0.00012%); no homozygotes.

Submissions (3):

GeneDx
Classification: Uncertain significance. Last evaluated: 2026-10-01. Review status: criteria provided, single submitter. Criteria: GeneDx Variant Classification Process June 2021. Collection method: clinical testing. Allele origin: germline.
Comment: Not observed at significant frequency in large population cohorts (gnomAD); In silico analysis supports that this missense variant does not alter protein structure/function; Has not been previously published as pathogenic or benign to our knowledge

Ambry Genetics
Classification: Uncertain significance for Inborn genetic diseases. Last evaluated: 2023-10-09. Review status: criteria provided, single submitter. Criteria: Ambry Variant Classification Scheme 2023. Collection method: clinical testing. Allele origin: germline.
Comment: The p.A1430V variant (also known as c.4289C>T), located in coding exon 30 of the LRRK2 gene, results from a C to T substitution at nucleotide position 4289. The alanine at codon 1430 is replaced by valine, an amino acid with similar properties. This amino acid position is conserved. In addition, the in silico prediction for this alteration is inconclusive. Since supporting evidence is limited at this time, the clinical significance of this alteration remains unclear.

Labcorp Genetics (formerly Invitae), Labcorp
Classification: Uncertain significance for Autosomal dominant Parkinson disease 8. Last evaluated: 2022-03-16. Review status: criteria provided, single submitter. Criteria: Invitae Variant Classification Sherloc (09022015). Collection method: clinical testing. Allele origin: germline.
Comment: This sequence change replaces alanine, which is neutral and non-polar, with valine, which is neutral and non-polar, at codon 1430 of the LRRK2 protein (p.Ala1430Val). This variant is not present in population databases (gnomAD no frequency). This variant has not been reported in the literature in individuals affected with LRRK2-related conditions. Algorithms developed to predict the effect of missense changes on protein structure and function are either unavailable or do not agree on the potential impact of this missense change (SIFT: "Tolerated"; PolyPhen-2: "Probably Damaging"; Align-GVGD: "Class C0"). In summary, the available evidence is currently insufficient to determine the role of this variant in disease. Therefore, it has been classified as a Variant of Uncertain Significance.